The following is an entry in ClinVar:

ClinVar aggregate classification (germline): Uncertain significance (1 of 4 stars; one submission).

Conditions:
Aortic aneurysm, familial thoracic 12. Identifiers: MedGen C5676959, MONDO:0030731, OMIM 619825.

Allele frequency attached by ClinVar (database versions not stated): gnomAD exomes below 0.00001; ExAC 0.00001.

Submission:

Victorian Clinical Genetics Services, Murdoch Childrens Research Institute
Classification: Uncertain significance for Aortic aneurysm, familial thoracic 12. Last evaluated: 2022-02-02. Review status: criteria provided, single submitter. Criteria: ACMG Guidelines, 2015. Collection method: clinical testing. Allele origin: germline. Inheritance: Autosomal dominant inheritance. Affected: yes.
Comment: Based on the classification scheme VCGS_Germline_v1.3.4, this variant is classified as VUS-3C. Following criteria are met: 0102 - Loss of function is a known mechanism of disease in this gene and is associated with thoracic aortic aneurysm and dissection (TAAD) (PMID: 32855533). (I) 0107 - This gene is associated with autosomal dominant disease (PMID: 32855533). (I) 0200 - Variant is predicted to result in a missense amino acid change from glutamine to arginine. (I) 0251 - This variant is heterozygous. (I) 0302 - Variant is present in gnomAD (v2) <0.001 for a dominant condition (1 heterozygote, 0 homozygotes). (SP) 0309 - An alternative amino acid change at the same position has been observed in gnomAD (v2) (1 heterozygote, 0 homozygotes). (I) 0504 - Same amino acid change has been observed in placental mammals. (SB) 0600 - Variant is located in the annotated TSP type-1 1 domain (Uniprot). (I) 0705 - No comparable missense variants have previous evidence for pathogenicity. (I) 0807 - This variant has no previous evidence of pathogenicity. (I) 0905 - No published segregation evidence has been identified for this variant. (I) 1007 - No published functional evidence has been identified for this variant. (I) 1208 - Inheritance information for this variant is not currently available in this individual. (I) Legend: (SP) - Supporting pathogenic, (I) - Information, (SB) - Supporting benign

Literature cited by the submitters: PubMed 32855533.

NM_024817.3(THSD4):c.650A>G (p.Gln217Arg)

Gene: THSD4 (thrombospondin type 1 domain containing 4; plus strand). Cytogenetic location: 15q23.
Variant type: single nucleotide variant.
Coding change: c.650A>G on transcript NM_024817.3 (MANE Select); coding-DNA position 650, A replaced by G.
Protein change: p.Gln217Arg; replaces glutamine 217 with arginine.
Molecular consequence: missense variant.
Genome position (GRCh38, 1-based): chr15:71,242,834, A>G. VCF-style: chr15-71242834-A-G. GRCh37 (hg19) VCF-style: chr15-71535173-A-G.
Other names: c.650A>G, p.Gln217Arg (NM_001394532.1); short protein forms Q217R.
Identifiers: ClinVar variation 1699175 (VCV001699175.3), dbSNP rs748660152, ClinGen allele CA7639084.